The following is an entry in ClinVar:

NM_001254.4(CDC6):c.*733A>G

Gene: CDC6 (cell division cycle 6; plus strand). Cytogenetic location: 17q21.2.
Variant type: single nucleotide variant.
Coding change: c.*733A>G on transcript NM_001254.4 (MANE Select); 733 bases downstream of the stop codon, A replaced by G.
Molecular consequence: 3 prime UTR variant.
Genome position (GRCh38, 1-based): chr17:40,302,734, A>G. VCF-style: chr17-40302734-A-G. GRCh37 (hg19) VCF-style: chr17-38458986-A-G.
Identifiers: ClinVar variation 891310 (VCV000891310.4), dbSNP rs544343681, ClinGen allele CA290500872.

ClinVar aggregate classification (germline): Likely benign (1 of 4 stars; one submission).

Conditions:
Meier-Gorlin syndrome 5 (MGORS5). Identifiers: Orphanet 2554, MedGen C3151126, MONDO:0013432, OMIM 613805.

Allele frequency attached by ClinVar (database versions not stated): 1000 Genomes Project 0.00060; 1000 Genomes Project 30x 0.00062; TOPMed 0.00277; gnomAD 0.00303 and 0.00317.

Submission:

Illumina Laboratory Services, Illumina
Classification: Likely benign for Meier-Gorlin syndrome 5. Last evaluated: 2018-01-13. Review status: criteria provided, single submitter. Criteria: ICSL Variant Classification Criteria 13 December 2019. Collection method: clinical testing. Allele origin: germline.
Comment: This variant was observed in the ICSL laboratory as part of a predisposition screen in an ostensibly healthy population. It had not been previously curated by ICSL or reported in the Human Gene Mutation Database (HGMD: prior to June 1st, 2018), and was therefore a candidate for classification through an automated scoring system. Utilizing variant allele frequency, disease prevalence and penetrance estimates, and inheritance mode, an automated score was calculated to assess if this variant is too frequent to cause the disease. Based on the score and internal cut-off values, a variant classified as likely benign is not then subjected to further curation. The score for this variant resulted in a classification of likely benign for this disease.